The following is an entry in ClinVar:

NM_017514.5(PLXNA3):c.2244+9C>T

Gene: PLXNA3 (plexin A3; plus strand). Cytogenetic location: Xq28.
Variant type: single nucleotide variant.
Coding change: c.2244+9C>T on transcript NM_017514.5 (MANE Select); 9 bases into the intron after coding-DNA position 2244, C replaced by T.
Molecular consequence: intron variant.
Genome position (GRCh38, 1-based): chrX:154,465,227, C>T. VCF-style: chrX-154465227-C-T. GRCh37 (hg19) VCF-style: chrX-153693570-C-T.
Identifiers: ClinVar variation 3353534 (VCV003353534.1).
Genomic context (GRCh38, chrX:154,465,227, plus strand): 5'-GGTGCCTGCCGTGCGCTTCAACAGCAGCAGTGTGCAGTGCCAGAACGCCTCGGTGAGGTC[C>T]CACCCGCTGCCTCCCTTCGGGGTCTGGGCTGTGGCGTGGTGTGGATCGTTCTTGTCTATG-3'

ClinVar aggregate classification (germline): Likely benign (0 of 4 stars; one submission).

Conditions:
PLXNA3-related disorder. Also called: PLXNA3-related condition.

Submission:

PreventionGenetics, part of Exact Sciences
Classification: Likely benign for PLXNA3-related condition. Last evaluated: 2022-10-07. Review status: no assertion criteria provided. Collection method: clinical testing. Allele origin: germline.
Comment: This variant is classified as likely benign based on ACMG/AMP sequence variant interpretation guidelines (Richards et al. 2015 PMID: 25741868, with internal and published modifications).